The following is an entry in ClinVar:

ClinVar aggregate classification (germline): Uncertain significance (1 of 4 stars; one submission).

Conditions:
Inborn genetic diseases. Identifiers: MedGen C0950123, MeSH D030342.

Allele frequency attached by ClinVar (database versions not stated): TOPMed 0.00002.
gnomAD v4.1: 1 of 1,613,932 alleles (0.000062%); no homozygotes.

Submission:

Ambry Genetics
Classification: Uncertain significance for Inborn genetic diseases. Last evaluated: 2025-05-02. Review status: criteria provided, single submitter. Criteria: Ambry Variant Classification Scheme 2023. Collection method: clinical testing. Allele origin: germline.
Comment: The c.3756T>A (p.S1252R) alteration is located in exon 21 (coding exon 21) of the DSCAM gene. This alteration results from a T to A substitution at nucleotide position 3756, causing the serine (S) at amino acid position 1252 to be replaced by an arginine (R). This variant was not reported in population-based cohorts in the Genome Aggregation Database (gnomAD). This amino acid position is well conserved in available vertebrate species. In silico splice site analysis for this alteration is inconclusive. Based on insufficient or conflicting evidence, the clinical significance of this alteration remains unclear.

NM_001389.5(DSCAM):c.3756T>A (p.Ser1252Arg)

Gene: DSCAM (DS cell adhesion molecule; minus strand). Cytogenetic location: 21q22.2.
Variant type: single nucleotide variant.
Coding change: c.3756T>A on transcript NM_001389.5 (MANE Select); coding-DNA position 3756, T replaced by A.
Protein change: p.Ser1252Arg; replaces serine 1252 with arginine.
Molecular consequence: missense variant. On other transcripts: non-coding transcript variant (1).
Genome position (GRCh38, 1-based): chr21:40,093,815, A>T on the plus strand (T>A on the coding strand, the complement: DSCAM is on the minus strand). VCF-style: chr21-40093815-A-T. GRCh37 (hg19) VCF-style: chr21-41465742-A-T.
Other names: c.3756T>A, p.Ser1252Arg (NM_001271534.3, NM_206887.1); short protein forms S1252R.
Identifiers: ClinVar variation 3085880 (VCV003085880.2), dbSNP rs2089641506, ClinGen allele CA410304034.